The following is an entry in ClinVar:

ClinVar aggregate classification (germline): Benign/Likely benign. Review status: criteria provided, multiple submitters, no conflicts (2 of 4 stars). 3 submissions from 3 submitters: Benign (2); Likely benign (1). Last evaluated 2026-01-11.

Allele frequency attached by ClinVar (database versions not stated): gnomAD 0.00012 and 0.00019; gnomAD exomes 0.00017 and 0.00039; TOPMed 0.00019; ExAC 0.00031; 1000 Genomes Project 0.00100; 1000 Genomes Project 30x 0.00109.
gnomAD v4.1: 267 of 1,614,188 alleles (0.017%); highest among the groups gnomAD compares: East Asian, 0.55%; 2 homozygotes.

Submissions (3):

Labcorp Genetics (formerly Invitae), Labcorp
Classification: Benign. Last evaluated: 2026-01-11. Review status: criteria provided, single submitter. Criteria: Invitae Variant Classification Sherloc (09022015). Collection method: clinical testing. Allele origin: germline.

Blueprint Genetics
Classification: Likely benign. Last evaluated: 2024-08-06. Review status: criteria provided, single submitter. Criteria: ACMG Guidelines, 2015. Collection method: clinical testing. Allele origin: germline.

CeGaT Center for Human Genetics Tuebingen
Classification: Benign. Last evaluated: 2023-04-01. Review status: criteria provided, single submitter. Criteria: CeGaT Center For Human Genetics Tuebingen Variant Classification Criteria Version 2. Collection method: clinical testing. Allele origin: germline. Affected: yes. Observed: 2 variant alleles.
Comment: NFKB1: BP4, BS1, BS2

NM_003998.4(NFKB1):c.1799A>C (p.Glu600Ala)

Gene: NFKB1 (nuclear factor kappa B subunit 1; plus strand). Cytogenetic location: 4q24.
Variant type: single nucleotide variant.
Coding change: c.1799A>C on transcript NM_003998.4 (MANE Select); coding-DNA position 1799, A replaced by C.
Protein change: p.Glu600Ala; replaces glutamic acid 600 with alanine.
Molecular consequence: missense variant.
Genome position (GRCh38, 1-based): chr4:102,606,542, A>C. VCF-style: chr4-102606542-A-C. GRCh37 (hg19) VCF-style: chr4-103527699-A-C.
Other names: c.1796A>C, p.Glu599Ala (NM_001165412.2, NM_001319226.2, NM_001382627.1); c.1799A>C, p.Glu600Ala (NM_001382625.1, NM_001382626.1); c.1757A>C, p.Glu586Ala (NM_001382628.1); short protein forms E586A, E599A, E600A.
Identifiers: ClinVar variation 1167790 (VCV001167790.35), dbSNP rs55661548, ClinGen allele CA3026257.